The following is an entry in ClinVar:

ClinVar aggregate classification (germline): Uncertain significance. Review status: criteria provided, multiple submitters, no conflicts (2 of 4 stars). 5 submissions from 4 submitters: Uncertain significance (5). Last evaluated 2023-04-27.

Conditions:
Chilblain lupus 2 (CHBL2). Identifiers: MedGen C3280721, MONDO:0013739, OMIM 614415.
Aicardi-Goutieres syndrome 5. Identifiers: Orphanet 51, MedGen C2749659, MONDO:0013059, OMIM 612952.

Allele frequency attached by ClinVar (database versions not stated): gnomAD exomes 0.00001; TOPMed 0.00006.
gnomAD v4.1: 85 of 1,613,758 alleles (0.0053%); highest among the groups gnomAD compares: Non-Finnish European, 0.0069%; no homozygotes.

Submissions (5):

Blueprint Genetics
Classification: Uncertain significance. Last evaluated: 2023-04-27. Review status: criteria provided, single submitter. Criteria: ACMG Guidelines, 2015. Collection method: clinical testing. Allele origin: germline.

CeGaT Center for Human Genetics Tuebingen
Classification: Uncertain significance. Last evaluated: 2022-11-01. Review status: criteria provided, single submitter. Criteria: CeGaT Center For Human Genetics Tuebingen Variant Classification Criteria Version 2. Collection method: clinical testing. Allele origin: germline. Affected: yes. Observed: 1 variant allele.
Comment: SAMHD1: PM2

Labcorp Genetics (formerly Invitae), Labcorp
Classification: Uncertain significance for Aicardi-Goutieres syndrome 5. Last evaluated: 2022-08-22. Review status: criteria provided, single submitter. Criteria: Invitae Variant Classification Sherloc (09022015). Collection method: clinical testing. Allele origin: germline.
Comment: This sequence change replaces arginine, which is basic and polar, with cysteine, which is neutral and slightly polar, at codon 339 of the SAMHD1 protein (p.Arg339Cys). This variant is present in population databases (no rsID available, gnomAD 0.01%). This variant has not been reported in the literature in individuals affected with SAMHD1-related conditions. ClinVar contains an entry for this variant (Variation ID: 896227). Algorithms developed to predict the effect of missense changes on protein structure and function (SIFT, PolyPhen-2, Align-GVGD) all suggest that this variant is likely to be disruptive. In summary, the available evidence is currently insufficient to determine the role of this variant in disease. Therefore, it has been classified as a Variant of Uncertain Significance.

Illumina Laboratory Services, Illumina
Classification: Uncertain significance for Aicardi-Goutieres syndrome 5. Last evaluated: 2018-01-13. Review status: criteria provided, single submitter. Criteria: ICSL Variant Classification Criteria 13 December 2019. Collection method: clinical testing. Allele origin: germline.

Illumina Laboratory Services, Illumina
Classification: Uncertain significance for Chilblain lupus 2. Last evaluated: 2018-01-13. Review status: criteria provided, single submitter. Criteria: ICSL Variant Classification Criteria 13 December 2019. Collection method: clinical testing. Allele origin: germline.

NM_015474.4(SAMHD1):c.1015C>T (p.Arg339Cys)

Gene: SAMHD1 (SAM and HD domain containing deoxynucleoside triphosphate triphosphohydrolase 1; minus strand). Cytogenetic location: 20q11.23.
Variant type: single nucleotide variant.
Coding change: c.1015C>T on transcript NM_015474.4 (MANE Select); coding-DNA position 1015, C replaced by T.
Protein change: p.Arg339Cys; replaces arginine 339 with cysteine.
Molecular consequence: missense variant.
Genome position (GRCh38, 1-based): chr20:36,916,769, G>A on the plus strand (C>T on the coding strand, the complement: SAMHD1 is on the minus strand). VCF-style: chr20-36916769-G-A. GRCh37 (hg19) VCF-style: chr20-35545172-G-A.
Other names: c.1015C>T, p.Arg339Cys (NM_001363729.2, NM_001363733.2); short protein forms R339C.
Identifiers: ClinVar variation 896227 (VCV000896227.30), dbSNP rs962672070, ClinGen allele CA314296931.
Genomic context (GRCh38, chr20:36,916,769, plus strand): 5'-TGGCACAGCTTACCTTATCTCTAGCACAAATACGCAACTCATTGTCTACTTCACAGACAC[G>A]GGCAAACTTAATAAAGCGCTTGTAATCAAAATTATTTTGGATTCCAAGATGATGGCAGTC-3'
Protein context (NP_056289.2, residues 329-349): FDYKRFIKFA[Arg339Cys]VCEVDNELRI